The following is an entry in ClinVar:

NM_023110.3(FGFR1):c.241dup (p.Ile81fs)

Gene: FGFR1 (fibroblast growth factor receptor 1; minus strand). Cytogenetic location: 8p11.23.
Variant type: Duplication.
Coding change: c.241dup on transcript NM_023110.3 (MANE Select); coding-DNA position 241, one base duplicated (A; older notation c.241dupA).
Protein change: p.Ile81fs; shifts the reading frame from isoleucine 81.
Molecular consequence: frameshift variant. On other transcripts: intron variant (5).
Genome position (GRCh38, 1-based): chr8:38,429,799, T duplicated on the plus strand (A on the coding strand, the reverse complement: FGFR1 is on the minus strand). VCF-style (leftmost placement, unchanged base first): chr8-38429798-A-AT. GRCh37 (hg19) VCF-style: chr8-38287316-A-AT.
Other names: c.241dup, p.Ile81fs (NM_001174063.2, NM_001174065.2, NM_001354367.2 and 3 more transcripts); c.217dup, p.Ile73fs (NM_001174064.2); c.340dup, p.Ile114fs (NM_001174067.2); c.92-1364dup (NM_001354368.2, NM_001354370.2, NM_023106.3 and 2 more transcripts); short protein forms I114fs, I73fs, I81fs.
Identifiers: ClinVar variation 5018618 (VCV005018618.1).

ClinVar aggregate classification (germline): Likely pathogenic (1 of 4 stars; one submission).

Conditions:
Trigonocephaly 1 (TRIGNO1). Identifiers: Orphanet 3366, MedGen C0432122, MONDO:0008603, OMIM 190440.
Osteoglophonic dysplasia (OGD). Also called: Osteoglophonic dwarfism. Identifiers: Orphanet 2645, MedGen C0432283, MONDO:0008150, OMIM 166250.
Pfeiffer syndrome (ACS5). Also called: ACS V. Identifiers: Orphanet 710, MedGen C0220658, MONDO:0007043, OMIM 101600.
Hartsfield-Bixler-Demyer syndrome (HRTFDS). Also called: Holoprosencephaly, ectrodactyly, and bilateral cleft lip/palate; Hartsfield syndrome; FGFR1-Related Hartsfield Syndrome. Identifiers: Orphanet 2117, MedGen C1845146, MONDO:0014196, OMIM 615465. Disease mechanism: loss of function.
Hypogonadotropic hypogonadism 2 with or without anosmia (HH2). Also called: HYPOGONADOTROPIC HYPOGONADISM 2 WITHOUT ANOSMIA; HYPOGONADOTROPIC HYPOGONADISM 2 WITH OR WITHOUT ANOSMIA, SUSCEPTIBILITY TO; HYPOGONADOTROPIC HYPOGONADISM 2 WITHOUT ANOSMIA, SUSCEPTIBILITY TO; FGFR1-Related GnRH Deficiency (Kallmann Syndrome 2). Identifiers: Orphanet 478, MedGen C1563720, MONDO:0007844, OMIM 147950. Disease mechanism: loss of function.
Jackson-Weiss syndrome (JWS). Also called: CRANIOSYNOSTOSIS, MIDFACIAL HYPOPLASIA, AND FOOT ABNORMALITIES. Identifiers: Orphanet 1540, MedGen C0795998, MONDO:0007400, OMIM 123150. Disease mechanism: loss of function.
Encephalocraniocutaneous lipomatosis (ECCL). Identifiers: Orphanet 2396, MedGen C0406612, MONDO:0013074, OMIM 613001.

Submission:

Juno Genomics, Hangzhou Juno Genomics, Inc
Classification: Likely pathogenic for Trigonocephaly 1; Pfeiffer syndrome; Encephalocraniocutaneous lipomatosis; Hartsfield-Bixler-Demyer syndrome; Hypogonadotropic hypogonadism 2 with or without anosmia; Jackson-Weiss syndrome; Osteoglophonic dysplasia. Review status: criteria provided, single submitter. Criteria: ACMG Guidelines, 2015. Collection method: clinical testing. Allele origin: germline. Affected: yes.
Comment: Absent from controls (or at extremely low frequency if recessive) in Genome Aggregation Database.;Null variant in a gene where loss of function (LOF) is a known mechanism of disease.